The following is an entry in ClinVar:

ClinVar aggregate classification (germline): Uncertain significance (1 of 4 stars; one submission).

Submission:

Labcorp Genetics (formerly Invitae), Labcorp
Classification: Uncertain significance. Last evaluated: 2025-10-07. Review status: criteria provided, single submitter. Criteria: Invitae Variant Classification Sherloc (09022015). Collection method: clinical testing. Allele origin: germline.
Comment: This sequence change replaces glycine, which is neutral and non-polar, with alanine, which is neutral and non-polar, at codon 11 of the SIX5 protein (p.Gly11Ala). This variant is not present in population databases (gnomAD no frequency). This variant has not been reported in the literature in individuals affected with SIX5-related conditions. Experimental studies and prediction algorithms are not available or were not evaluated, and the functional significance of this variant is currently unknown. In summary, the available evidence is currently insufficient to determine the role of this variant in disease. Therefore, it has been classified as a Variant of Uncertain Significance.

NM_175875.5(SIX5):c.32G>C (p.Gly11Ala)

Genes: DM1-AS (DM1 locus antisense RNA; plus strand), SIX5 (SIX homeobox 5; minus strand), LOC107075317 (origin of replication in DMPK trinucleotide repeat region; plus strand). Cytogenetic location: 19q13.32.
Variant type: single nucleotide variant.
Coding change: c.32G>C on transcript NM_175875.5 (MANE Select); coding-DNA position 32, G replaced by C.
Protein change: p.Gly11Ala; replaces glycine 11 with alanine.
Molecular consequence: missense variant.
Genome position (GRCh38, 1-based): chr19:45,768,813, C>G on the plus strand (G>C on the coding strand, the complement: SIX5 is on the minus strand). VCF-style: chr19-45768813-C-G. GRCh37 (hg19) VCF-style: chr19-46272071-C-G.
Other names: short protein forms G11A.
Identifiers: ClinVar variation 4781574 (VCV004781574.1).